The following is an entry in ClinVar:

ClinVar aggregate classification (germline): Conflicting classifications of pathogenicity. Review status: criteria provided, conflicting classifications (1 of 4 stars). 3 submissions from 3 submitters: Uncertain significance (1); Likely benign (2). Last evaluated 2025-09-04.

Allele frequency attached by ClinVar (database versions not stated): gnomAD exomes 0.00011; TOPMed 0.00014; gnomAD 0.00018; ESP Exome Variant Server 0.00023; ExAC 0.00028.
gnomAD v4.1: 214 of 1,614,022 alleles (0.013%); highest among the groups gnomAD compares: Non-Finnish European, 0.0031%; 1 homozygote.

Submissions (3):

Labcorp Genetics (formerly Invitae), Labcorp
Classification: Likely benign. Last evaluated: 2025-09-04. Review status: criteria provided, single submitter. Criteria: Invitae Variant Classification Sherloc (09022015). Collection method: clinical testing. Allele origin: germline.

CeGaT Center for Human Genetics Tuebingen
Classification: Likely benign. Last evaluated: 2025-04-01. Review status: criteria provided, single submitter. Criteria: CeGaT Center For Human Genetics Tuebingen Variant Classification Criteria Version 2. Collection method: clinical testing. Allele origin: germline. Affected: yes. Observed: 2 variant alleles.
Comment: KANK1: BP4

Ambry Genetics
Classification: Uncertain significance. Last evaluated: 2022-04-14. Review status: criteria provided, single submitter. Criteria: Ambry Variant Classification Scheme 2023. Collection method: clinical testing. Allele origin: germline.

NM_015158.5(KANK1):c.3217G>C (p.Glu1073Gln)

Gene: KANK1 (KN motif and ankyrin repeat domains 1; plus strand). Cytogenetic location: 9p24.3.
Variant type: single nucleotide variant.
Coding change: c.3217G>C on transcript NM_015158.5 (MANE Select); coding-DNA position 3217, G replaced by C.
Protein change: p.Glu1073Gln; replaces glutamic acid 1073 with glutamine.
Molecular consequence: missense variant. On other transcripts: intron variant (5).
Genome position (GRCh38, 1-based): chr9:732,589, G>C. VCF-style: chr9-732589-G-C. GRCh37 (hg19) VCF-style: chr9-732589-G-C.
Other names: c.3217G>C, p.Glu1073Gln (NM_001256876.3, NM_001256877.3, NM_001354334.2); c.3163G>C, p.Glu1055Gln (NM_001354332.2); c.2743G>C, p.Glu915Gln (NM_001354333.2, NM_001354335.2, NM_001354337.2 and 2 more transcripts); c.2689G>C, p.Glu897Gln (NM_001354338.2, NM_001354340.2, NM_001354344.2); c.3005+1323G>C (NM_001354331.2); c.2477+1323G>C (NM_001354336.2); c.2531+1323G>C (NM_001354339.2, NM_001354343.2, NM_001354342.2); c.3217G>C (NM_015158.2); short protein forms E915Q, E1055Q, E1073Q, E897Q.
Identifiers: ClinVar variation 2196066 (VCV002196066.29), dbSNP rs199887418, ClinGen allele CA4960810.